The following is an entry in ClinVar:

NM_005334.3(HCFC1):c.1520G>A (p.Ser507Asn)

Gene: HCFC1 (host cell factor C1; minus strand). Cytogenetic location: Xq28.
Variant type: single nucleotide variant.
Coding change: c.1520G>A on transcript NM_005334.3 (MANE Select); coding-DNA position 1520, G replaced by A.
Protein change: p.Ser507Asn; replaces serine 507 with asparagine.
Molecular consequence: missense variant.
Genome position (GRCh38, 1-based): chrX:153,959,416, C>T on the plus strand (G>A on the coding strand, the complement: HCFC1 is on the minus strand). VCF-style: chrX-153959416-C-T. GRCh37 (hg19) VCF-style: chrX-153224867-C-T.
Other names: short protein forms S507N.
Identifiers: ClinVar variation 1703458 (VCV001703458.3), dbSNP rs1557116079, ClinGen allele CA415139609.
Genomic context (GRCh38, chrX:153,959,416, plus strand): 5'-ACAACCATCCGCACTCCGGCGGGAAGGGAGGTCACGGTGACAGGGGCTTTCCCAGCCTGG[C>T]TGGCAGGTCGCATGGTGACCAATGGAGTTCCTGTTGTAGCCTGAGGACCGGTCACTTTGA-3'
Protein context (NP_005325.2, residues 497-517): GTPLVTMRPA[Ser507Asn]QAGKAPVTVT

ClinVar aggregate classification (germline): Uncertain significance. Review status: criteria provided, multiple submitters, no conflicts (2 of 4 stars). 2 submissions from 2 submitters: Uncertain significance (2). Last evaluated 2023-09-15.

Allele frequency attached by ClinVar (database versions not stated): gnomAD exomes 0.00001.
gnomAD v4.1: 6 of 1,211,831 alleles (0.0005%); highest among the groups gnomAD compares: Middle Eastern, 0.046%; no homozygotes.

Submissions (2):

Women's Health and Genetics/Laboratory Corporation of America, LabCorp
Classification: Uncertain significance. Last evaluated: 2023-09-15. Review status: criteria provided, single submitter. Criteria: LabCorp Variant Classification Summary - May 2015. Collection method: clinical testing. Allele origin: germline.
Comment: Variant summary: HCFC1 c.1520G>A (p.Ser507Asn) results in a conservative amino acid change located in the Fibronectin type III domain (IPR003961) of the encoded protein sequence. Four of five in-silico tools predict a benign effect of the variant on protein function. The variant allele was found at a frequency of 1.1e-05 in 180317 control chromosomes (gnomAD). The available data on variant occurrences in the general population are insufficient to allow any conclusion about variant significance. To our knowledge, no occurrence of c.1520G>A in individuals affected with Methylmalonic Acidemia With Homocystinuria and no experimental evidence demonstrating its impact on protein function have been reported. One submitter has cited clinical-significance assessments for this variant to ClinVar after 2014 and has classified the variant as uncertain significance. Based on the evidence outlined above, the variant was classified as uncertain significance.

GeneDx
Classification: Uncertain significance. Last evaluated: 2022-02-11. Review status: criteria provided, single submitter. Criteria: GeneDx Variant Classification Process June 2021. Collection method: clinical testing. Allele origin: germline. Affected: yes.
Comment: Not observed at significant frequency in large population cohorts (gnomAD); In silico analysis supports that this missense variant does not alter protein structure/function; Has not been previously published as pathogenic or benign to our knowledge